The following is an entry in ClinVar:

NM_001244008.2(KIF1A):c.2694C>G (p.Thr898=)

Gene: KIF1A (kinesin family member 1A; minus strand). Cytogenetic location: 2q37.3.
Variant type: single nucleotide variant.
Coding change: c.2694C>G on transcript NM_001244008.2 (MANE Select); coding-DNA position 2694, C replaced by G.
Protein change: p.Thr898=; no amino-acid change (threonine 898 retained).
Molecular consequence: synonymous variant. On other transcripts: intron variant (18).
Genome position (GRCh38, 1-based): chr2:240,757,483, G>C on the plus strand (C>G on the coding strand, the complement: KIF1A is on the minus strand). VCF-style: chr2-240757483-G-C. GRCh37 (hg19) VCF-style: chr2-241696900-G-C.
Other names: c.2769C>G, p.Thr923= (NM_001379631.1); c.2643C>G, p.Thr881= (NM_001379632.1); c.2667C>G, p.Thr889= (NM_001379633.1, NM_001379642.1, NM_001379645.1); c.2555+877C>G (NM_001379653.1, NM_001379650.1, NM_001379640.1 and 6 more transcripts); c.2657+877C>G (NM_001379635.1, NM_001330290.2, NM_001379646.1 and 1 more transcripts); c.2630+877C>G (NM_001379637.1, NM_001379648.1); c.2582+877C>G (NM_001320705.2, NM_001379638.1, NM_001330289.2).
Identifiers: ClinVar variation 994639 (VCV000994639.6), dbSNP rs555856342, ClinGen allele CA2208039.

ClinVar aggregate classification (germline): Benign/Likely benign. Review status: criteria provided, multiple submitters, no conflicts (2 of 4 stars). 3 submissions from 3 submitters: Benign (1); Likely benign (1). 1 of the submissions does not count toward it. Last evaluated 2020-12-02.

Conditions:
KIF1A-related disorder. Also called: KIF1A-related disorders; KIF1A-related condition.

Allele frequency attached by ClinVar (database versions not stated): 1000 Genomes Project 0.00020; TOPMed 0.00023; 1000 Genomes Project 30x 0.00031.
gnomAD v4.1: 119 of 1,550,514 alleles (0.0077%); highest among the groups gnomAD compares: Admixed American, 0.23%; no homozygotes.

Submissions (3):

GeneDx
Classification: Likely benign. Last evaluated: 2020-12-02. Review status: criteria provided, single submitter. Criteria: GeneDx Variant Classification Process June 2021. Collection method: clinical testing. Allele origin: germline. Affected: yes.

Athena Diagnostics
Classification: Benign. Last evaluated: 2020-03-11. Review status: criteria provided, single submitter. Criteria: Athena Diagnostics Criteria. Collection method: clinical testing. Allele origin: unknown.

PreventionGenetics, part of Exact Sciences
Classification: Likely benign for KIF1A-related condition. Last evaluated: 2020-02-19. Review status: no assertion criteria provided. Collection method: clinical testing. Allele origin: germline. Not counted in ClinVar's aggregate classification.
Comment: This variant is classified as likely benign based on ACMG/AMP sequence variant interpretation guidelines (Richards et al. 2015 PMID: 25741868, with internal and published modifications).